The following is an entry in ClinVar:

ClinVar aggregate classification (germline): Conflicting classifications of pathogenicity. Review status: criteria provided, conflicting classifications (1 of 4 stars). 4 submissions from 4 submitters: Uncertain significance (1); Likely benign (3). Last evaluated 2024-08-11.

Conditions:
Familial thoracic aortic aneurysm and aortic dissection (TAAD). Also called: Thoracic aortic aneurysms and dissections. Identifiers: Orphanet 91387, MedGen C4707243, MONDO:0019625.
Aortic aneurysm, familial thoracic 4 (AAT4). Also called: AORTIC ANEURYSM/AORTIC DISSECTION AND PATENT DUCTUS ARTERIOSUS. Identifiers: MedGen C1851504, MONDO:0007568, OMIM 132900.

Allele frequency attached by ClinVar (database versions not stated): gnomAD exomes below 0.00001; gnomAD 0.00006; TOPMed 0.00006.
gnomAD v4.1: 13 of 1,558,694 alleles (0.00083%); highest among the groups gnomAD compares: African/African-American, 0.012%; no homozygotes.

Submissions (4):

Labcorp Genetics (formerly Invitae), Labcorp
Classification: Uncertain significance for Aortic aneurysm, familial thoracic 4. Last evaluated: 2024-08-11. Review status: criteria provided, single submitter. Criteria: Invitae Variant Classification Sherloc (09022015). Collection method: clinical testing. Allele origin: germline.
Comment: This sequence change falls in intron 37 of the MYH11 gene. It does not directly change the encoded amino acid sequence of the MYH11 protein. It affects a nucleotide within the consensus splice site. This variant is present in population databases (no rsID available, gnomAD 0.01%). This variant has not been reported in the literature in individuals affected with MYH11-related conditions. ClinVar contains an entry for this variant (Variation ID: 1037776). Variants that disrupt the consensus splice site are a relatively common cause of aberrant splicing (PMID: 17576681, 9536098). Algorithms developed to predict the effect of sequence changes on RNA splicing suggest that this variant is not likely to affect RNA splicing. In summary, the available evidence is currently insufficient to determine the role of this variant in disease. Therefore, it has been classified as a Variant of Uncertain Significance.

All of Us Research Program, National Institutes of Health
Classification: Likely benign for Familial thoracic aortic aneurysm and aortic dissection. Last evaluated: 2023-05-30. Review status: criteria provided, single submitter. Criteria: ACMG Guidelines, 2015. Collection method: clinical testing. Allele origin: germline. Inheritance: Autosomal dominant inheritance. Observed: 2 variant alleles, 2 heterozygotes.
Comment: This study involves interpretation of variants in research participants for the purpose of population health screening. Participant phenotype was not available at the time of variant classification. Additional details can be found in publication PMID: 35346344, PMCID: PMC8962531

Color Diagnostics, LLC DBA Color Health
Classification: Likely benign for Familial thoracic aortic aneurysm and aortic dissection. Last evaluated: 2023-04-28. Review status: criteria provided, single submitter. Criteria: ACMG Guidelines, 2015. Collection method: clinical testing. Allele origin: germline.

GeneDx
Classification: Likely benign. Last evaluated: 2020-03-17. Review status: criteria provided, single submitter. Criteria: GeneDx Variant Classification Process June 2021. Collection method: clinical testing. Allele origin: germline. Affected: yes.

Literature cited by the submitters: PubMed 17576681 (cited by Labcorp Genetics (formerly Invitae), Labcorp); PubMed 9536098 (cited by Labcorp Genetics (formerly Invitae), Labcorp).

NM_002474.3(MYH11):c.5172-3C>T

Genes: NDE1 (nudE neurodevelopment protein 1; plus strand), MYH11 (myosin heavy chain 11; minus strand). Cytogenetic location: 16p13.11.
Variant type: single nucleotide variant.
Coding change: c.5172-3C>T on transcript NM_002474.3 (MANE Select); 3 bases into the intron before coding-DNA position 5172, C replaced by T.
Molecular consequence: intron variant.
Genome position (GRCh38, 1-based): chr16:15,718,441, G>A on the plus strand (C>T on the coding strand, the complement: MYH11 is on the minus strand). VCF-style: chr16-15718441-G-A. GRCh37 (hg19) VCF-style: chr16-15812298-G-A.
Other names: c.948-5750G>A (NM_001143979.2, NM_017668.3); c.5172-3C>T (NM_022844.3); c.5193-3C>T (NM_001040114.2, NM_001040113.2).
Identifiers: ClinVar variation 1037776 (VCV001037776.9), dbSNP rs979879255, ClinGen allele CA278596180.